The following is an entry in ClinVar:

ClinVar aggregate classification (germline): Likely benign. Review status: criteria provided, single submitter (1 of 4 stars). 2 submissions from 2 submitters: Likely benign (1). 1 of the submissions does not count toward it. Last evaluated 2016-04-13.

Conditions:
LDHA-related disorder. Also called: LDHA-related condition.

Allele frequency attached by ClinVar (database versions not stated): ExAC 0.00001; gnomAD exomes 0.00001 and 0.00002; gnomAD 0.00002; TOPMed 0.00002.
gnomAD v4.1: 25 of 1,606,940 alleles (0.0016%); highest among the groups gnomAD compares: Non-Finnish European, 0.0021%; no homozygotes.

Submissions (2):

GeneDx
Classification: Likely benign. Last evaluated: 2016-04-13. Review status: criteria provided, single submitter. Criteria: GeneDx Variant Classification (06012015). Collection method: clinical testing. Allele origin: germline. Affected: yes.
Comment: This variant is considered likely benign or benign based on one or more of the following criteria: it is a conservative change, it occurs at a poorly conserved position in the protein, it is predicted to be benign by multiple in silico algorithms, and/or has population frequency not consistent with disease.

PreventionGenetics, part of Exact Sciences
Classification: Likely benign for LDHA-related condition. Last evaluated: 2019-09-05. Review status: no assertion criteria provided. Collection method: clinical testing. Allele origin: germline. Not counted in ClinVar's aggregate classification.
Comment: This variant is classified as likely benign based on ACMG/AMP sequence variant interpretation guidelines (Richards et al. 2015 PMID: 25741868, with internal and published modifications).

NM_005566.4(LDHA):c.*89T>C

Gene: LDHA (lactate dehydrogenase A; plus strand). Cytogenetic location: 11p15.1.
Variant type: single nucleotide variant.
Coding change: c.*89T>C on transcript NM_005566.4 (MANE Select); 89 bases downstream of the stop codon, T replaced by C.
Molecular consequence: 3 prime UTR variant. On other transcripts: synonymous variant (1), non-coding transcript variant (1).
Genome position (GRCh38, 1-based): chr11:18,407,370, T>C. VCF-style: chr11-18407370-T-C. GRCh37 (hg19) VCF-style: chr11-18428917-T-C.
Other names: c.*89T>C (NM_001135239.2, NM_001165414.2); c.819T>C, p.Cys273= (NM_001165415.2); c.*238T>C (NM_001165416.2); c.819T>C (NM_001165415.1).
Identifiers: ClinVar variation 380934 (VCV000380934.3), dbSNP rs200441639, ClinGen allele CA5911469.